The following is an entry in ClinVar:

NM_018979.4(WNK1):c.6644-3059A>G

Gene: WNK1 (WNK lysine deficient protein kinase 1; plus strand). Cytogenetic location: 12p13.33.
Variant type: single nucleotide variant.
Coding change: c.6644-3059A>G on transcript NM_018979.4 (MANE Select); 3059 bases into the intron before coding-DNA position 6644, A replaced by G.
Molecular consequence: intron variant.
Genome position (GRCh38, 1-based): chr12:904,788, A>G. VCF-style: chr12-904788-A-G. GRCh37 (hg19) VCF-style: chr12-1013954-A-G.
Other names: c.7400-3059A>G (NM_213655.5); c.7424-3059A>G (NM_001184985.2); c.5900-3059A>G (NM_014823.3).
Identifiers: ClinVar variation 3338155 (VCV003338155.1).

ClinVar aggregate classification (germline): Uncertain significance (0 of 4 stars; one submission).

Conditions:
Peripheral neuropathy. Also called: Neuropathy. Identifiers: MedGen C0031117, MONDO:0005244, HP:0009830.

gnomAD v4.1: 793 of 152,242 alleles (0.52%); highest among the groups gnomAD compares: Non-Finnish European, 0.92%; no homozygotes.

Submission:

Joint Genome Diagnostic Labs from Nijmegen and Maastricht, Radboudumc and MUMC+
Classification: Uncertain significance for neuropathy. Review status: no assertion criteria provided. Collection method: clinical testing. Allele origin: germline. Affected: yes.
Comment: Predicted effect on splicing not confirmed with minigene assay